The following is an entry in ClinVar:

NM_005172.2(ATOH1):c.798G>A (p.Pro266=)

Gene: ATOH1 (atonal bHLH transcription factor 1; plus strand). Cytogenetic location: 4q22.2.
Variant type: single nucleotide variant.
Coding change: c.798G>A on transcript NM_005172.2 (MANE Select); coding-DNA position 798, G replaced by A.
Protein change: p.Pro266=; no amino-acid change (proline 266 retained).
Molecular consequence: synonymous variant.
Genome position (GRCh38, 1-based): chr4:93,829,724, G>A. VCF-style: chr4-93829724-G-A. GRCh37 (hg19) VCF-style: chr4-94750875-G-A.
Identifiers: ClinVar variation 4983300 (VCV004983300.1).

ClinVar aggregate classification (germline): Likely benign (1 of 4 stars; one submission).

Conditions:
ATOH1-related disorder. Also called: ATOH1-related condition.

gnomAD v4.1: 16 of 1,572,054 alleles (0.001%); highest among the groups gnomAD compares: African/African-American, 0.019%; no homozygotes.

Submission:

PreventionGenetics, part of Exact Sciences
Classification: Likely benign for ATOH1-related condition. Last evaluated: 2026-08-13. Review status: criteria provided, single submitter. Criteria: ACMG Guidelines, 2015. Collection method: clinical testing. Allele origin: germline.
Comment: This variant is classified as likely benign based on ACMG/AMP sequence variant interpretation guidelines (Richards et al. 2015 PMID: 25741868, with internal and published modifications).